The following is an entry in ClinVar:

NM_207346.3(TSEN54):c.614C>T (p.Ser205Phe)

Gene: TSEN54 (tRNA splicing endonuclease subunit 54; plus strand). Cytogenetic location: 17q25.1.
Variant type: single nucleotide variant.
Coding change: c.614C>T on transcript NM_207346.3 (MANE Select); coding-DNA position 614, C replaced by T.
Protein change: p.Ser205Phe; replaces serine 205 with phenylalanine.
Molecular consequence: missense variant.
Genome position (GRCh38, 1-based): chr17:75,521,501, C>T. VCF-style: chr17-75521501-C-T. GRCh37 (hg19) VCF-style: chr17-73517582-C-T.
Other names: short protein forms S205F.
Identifiers: ClinVar variation 2444746 (VCV002444746.1), dbSNP rs1429860173, ClinGen allele CA401028360.
Genomic context (GRCh38, chr17:75,521,501, plus strand): 5'-ACCTGGATGCCAGCGTGCAGCACTTGGAGGATGGAGATGGCAAGAGAAAGAGGAGCAGCT[C>T]CAGCCCTCGGTAACTCCCACATCACGGTGGCCCCCCAGGGAGTGCTGGTGTCTGGGACCT-3'
Protein context (NP_997229.2, residues 195-215): DGDGKRKRSS[Ser205Phe]SPRSINKKAK

ClinVar aggregate classification (germline): Uncertain significance (1 of 4 stars; one submission).

Allele frequency attached by ClinVar (database versions not stated): gnomAD 0.00001; gnomAD exomes 0.00001; TOPMed 0.00001.
gnomAD v4.1: 5 of 1,613,938 alleles (0.00031%); highest among the groups gnomAD compares: Admixed American, 0.0067%; no homozygotes.

Submission:

GeneDx
Classification: Uncertain significance. Last evaluated: 2022-09-15. Review status: criteria provided, single submitter. Criteria: GeneDx Variant Classification Process June 2021. Collection method: clinical testing. Allele origin: germline. Affected: yes.
Comment: Not observed at significant frequency in large population cohorts (gnomAD); In silico analysis supports that this missense variant does not alter protein structure/function; Has not been previously published as pathogenic or benign to our knowledge